The following is an entry in ClinVar:

NM_033004.4(NLRP1):c.2365T>C (p.Trp789Arg)

Gene: NLRP1 (NLR family pyrin domain containing 1; minus strand). Cytogenetic location: 17p13.2.
Variant type: single nucleotide variant.
Coding change: c.2365T>C on transcript NM_033004.4 (MANE Select); coding-DNA position 2365, T replaced by C.
Protein change: p.Trp789Arg; replaces tryptophan 789 with arginine.
Molecular consequence: missense variant.
Genome position (GRCh38, 1-based): chr17:5,553,549, A>G on the plus strand (T>C on the coding strand, the complement: NLRP1 is on the minus strand). VCF-style: chr17-5553549-A-G. GRCh37 (hg19) VCF-style: chr17-5456869-A-G.
Other names: c.2365T>C, p.Trp789Arg (NM_001033053.3, NM_014922.5, NM_033006.4 and 1 more transcripts); short protein forms W789R.
Identifiers: ClinVar variation 3616533 (VCV003616533.2).

ClinVar aggregate classification (germline): Uncertain significance (1 of 4 stars; one submission).

gnomAD v4.1: 1 of 1,613,566 alleles (0.000062%); highest among the groups gnomAD compares: Non-Finnish European, 0.000085%; no homozygotes.

Submission:

Labcorp Genetics (formerly Invitae), Labcorp
Classification: Uncertain significance. Last evaluated: 2024-03-04. Review status: criteria provided, single submitter. Criteria: Invitae Variant Classification Sherloc (09022015). Collection method: clinical testing. Allele origin: germline.
Comment: This sequence change replaces tryptophan, which is neutral and slightly polar, with arginine, which is basic and polar, at codon 789 of the NLRP1 protein (p.Trp789Arg). This variant is not present in population databases (gnomAD no frequency). This variant has not been reported in the literature in individuals affected with NLRP1-related conditions. Algorithms developed to predict the effect of missense changes on protein structure and function output the following: SIFT: "Not Available"; PolyPhen-2: "Benign"; Align-GVGD: "Not Available". The arginine amino acid residue is found in multiple mammalian species, which suggests that this missense change does not adversely affect protein function. In summary, the available evidence is currently insufficient to determine the role of this variant in disease. Therefore, it has been classified as a Variant of Uncertain Significance.